The following is an entry in ClinVar:

NM_001360016.2(G6PD):c.383T>C (p.Leu128Pro)

Gene: G6PD (glucose-6-phosphate dehydrogenase; minus strand). Cytogenetic location: Xq28.
Variant type: single nucleotide variant.
Coding change: c.383T>C on transcript NM_001360016.2 (MANE Select); coding-DNA position 383, T replaced by C.
Protein change: p.Leu128Pro; replaces leucine 128 with proline.
Molecular consequence: missense variant.
Genome position (GRCh38, 1-based): chrX:154,535,270, A>G on the plus strand (T>C on the coding strand, the complement: G6PD is on the minus strand). VCF-style: chrX-154535270-A-G. GRCh37 (hg19) VCF-style: chrX-153763485-A-G.
Other names: G6PD Vanua Lava; c.473T>C, p.Leu158Pro (NM_000402.4); c.383T>C, p.Leu128Pro (NM_001042351.3); short protein forms L128P, L158P.
Identifiers: ClinVar variation 93499 (VCV000093499.40), dbSNP rs78365220, ClinGen allele CA203034.

ClinVar aggregate classification (germline): Pathogenic/Likely pathogenic. Review status: criteria provided, multiple submitters, no conflicts (2 of 4 stars). 9 submissions from 9 submitters: Pathogenic (8); Likely pathogenic (1). Last evaluated 2025-12-11.

Conditions:
G6PD-related disorders.
Anemia, nonspherocytic hemolytic, due to G6PD deficiency (CNSHA1). Also called: Class I glucose-6-phosphate dehydrogenase deficiency; Favism, susceptibility to; ANEMIA, CONGENITAL, NONSPHEROCYTIC HEMOLYTIC, 1; Hemolytic anemia due to G6PD deficiency. Identifiers: Orphanet 466026, MedGen C2720289, MONDO:0010480, OMIM 300908.
G6PD deficiency. Also called: G6PD A-. Identifiers: MedGen C2939465, MONDO:0005775.
Malaria, susceptibility to. Identifiers: Orphanet 673, MedGen C1970028, MONDO:0021024, OMIM 611162.

Allele frequency attached by ClinVar (database versions not stated): gnomAD 0.00001.
gnomAD v4.1: 16 of 1,210,237 alleles (0.0013%); highest among the groups gnomAD compares: East Asian, 0.0089%; no homozygotes.

Submissions (9):

Labcorp Genetics (formerly Invitae), Labcorp
Classification: Pathogenic for Anemia, nonspherocytic hemolytic, due to G6PD deficiency. Last evaluated: 2025-12-11. Review status: criteria provided, single submitter. Criteria: Invitae Variant Classification Sherloc (09022015). Collection method: clinical testing. Allele origin: germline.
Comment: This sequence change replaces leucine, which is neutral and non-polar, with proline, which is neutral and non-polar, at codon 128 of the G6PD protein (p.Leu128Pro). This variant is present in population databases (rs78365220, gnomAD 0.005%). This missense change has been observed in individual(s) with G6PD deficiency (PMID: 7825590, 11499668, 12215013, 12497642, 21302115). ClinVar contains an entry for this variant (Variation ID: 93499). Invitae Evidence Modeling of protein sequence and biophysical properties (such as structural, functional, and spatial information, amino acid conservation, physicochemical variation, residue mobility, and thermodynamic stability) indicates that this missense variant is expected to disrupt G6PD protein function with a positive predictive value of 95%. Experimental studies have shown that this missense change affects G6PD function (PMID: 27213370). For these reasons, this variant has been classified as Pathogenic.

Blueprint Genetics
Classification: Pathogenic for G6PD-related disorders. Last evaluated: 2024-11-25. Review status: criteria provided, single submitter. Criteria: ACMG Guidelines, 2015. Collection method: clinical testing. Allele origin: germline. Affected: yes. Observed: 4 variant alleles.

Revvity Omics, Revvity
Classification: Pathogenic for Anemia, nonspherocytic hemolytic, due to G6PD deficiency. Last evaluated: 2024-10-10. Review status: criteria provided, single submitter. Criteria: ACMG Guidelines, 2015. Collection method: clinical testing. Allele origin: germline.

CeGaT Center for Human Genetics Tuebingen
Classification: Likely pathogenic. Last evaluated: 2024-05-01. Review status: criteria provided, single submitter. Criteria: CeGaT Center For Human Genetics Tuebingen Variant Classification Criteria Version 2. Collection method: clinical testing. Allele origin: germline. Affected: yes. Observed: 2 variant alleles.
Comment: G6PD: PM2, PM5, PS4:Moderate, PS3:Supporting

Baylor Genetics
Classification: Pathogenic for Malaria, susceptibility to. Last evaluated: 2024-03-24. Review status: criteria provided, single submitter. Criteria: ACMG Guidelines, 2015. Collection method: clinical testing. Allele origin: unknown.

Dunham Lab, University of Washington
Classification: Pathogenic for Anemia, nonspherocytic hemolytic, due to G6PD deficiency. Last evaluated: 2022-08-12. Review status: criteria provided, single submitter. Criteria: Bayesian ACMG Guidelines, 2018. Collection method: curation. Allele origin: inherited. Affected: yes.
Comment: Variant found in unrelated families where it segregated with deficiency, leading to jaundice and anemia in some hemizygotes (PS4_M, PP1, PP4). Decreased activity in red blood cells (1-25%) (PS3). Predicted to be disease causing by Mutation Taster and probably damaging by PolyPhen (PP3). Below expected carrier frequency in gnomAD (PM2). Reported as pathogenic by Eurofins (PP5). Post_P 0.999 (odds of pathogenicity 6563, Prior_P 0.1).

Mendelics
Classification: Pathogenic for Anemia, nonspherocytic hemolytic, due to G6PD deficiency. Last evaluated: 2022-05-04. Review status: criteria provided, single submitter. Criteria: Mendelics Assertion Criteria 2019. Collection method: clinical testing. Allele origin: germline.

Illumina Laboratory Services, Illumina
Classification: Pathogenic for Glucose 6 phosphate dehydrogenase deficiency. Last evaluated: 2018-09-20. Review status: criteria provided, single submitter. Criteria: ICSL Variant Classification Criteria 09 May 2019. Collection method: clinical testing. Allele origin: germline.
Comment: The G6PD c.383T>C (p.Leu128Pro) variant has been reported in five studies and is found in a total of at least 27 patients (Ganczakowski et al. 1995, Hamel et al. 2002, Ainoon et al. 2003, Matsuoka et al. 2003, Hung et al. 2008). Control data are unavailable for p.Leu128Pro, which is reported at a frequency of 0.000052 in the South Asain population of the Genome Aggregation Database but this is based on one allele in a region of good sequence coverage so the variant is presumed to be rare. Gomez-Manzo et al. (2016) transformed the p.Leu128Pro variant into competent E. Coli which demonstrated low purification yield, low catalytic efficiency, low affinity for substrate, decrease in thermal stability, and low conformational stability compared with wild type (WT). Based on this evidence the p.Leu128Pro variant is interpreted as pathogenic for G6PD deficiency. This variant was observed by ICSL as part of a predisposition screen in an ostensibly healthy population.

Eurofins Ntd Llc (ga)
Classification: Pathogenic. Last evaluated: 2013-10-29. Review status: criteria provided, single submitter. Criteria: EGL Classification Definitions. Collection method: clinical testing. Allele origin: germline. Observed: 3 variant alleles, 2 heterozygotes, 1 hemizygote.

Literature cited by the submitters: PubMed 7825590 (cited by 3 submitters); PubMed 11499668 (cited by Labcorp Genetics (formerly Invitae), Labcorp); PubMed 12215013 (cited by Labcorp Genetics (formerly Invitae), Labcorp); PubMed 12497642 (cited by 3 submitters); PubMed 21302115 (cited by Labcorp Genetics (formerly Invitae), Labcorp); PubMed 27213370 (cited by Labcorp Genetics (formerly Invitae), Labcorp and Illumina Laboratory Services, Illumina); PubMed 31863082 (cited by Dunham Lab, University of Washington); PubMed 16927025 (cited by Dunham Lab, University of Washington); PubMed 21441392 (cited by Dunham Lab, University of Washington); PubMed 31862010 (cited by Dunham Lab, University of Washington); PubMed 12367584 (cited by Illumina Laboratory Services, Illumina); PubMed 14505231 (cited by Illumina Laboratory Services, Illumina).